The following is an entry in ClinVar:

ClinVar aggregate classification (germline): Uncertain significance (1 of 4 stars; one submission).

Conditions:
RASopathy. Also called: Noonan spectrum disorder; rasopathies. Identifiers: Orphanet 536391, MedGen C5555857, MONDO:0021060.

Submission:

Labcorp Genetics (formerly Invitae), Labcorp
Classification: Uncertain significance for RASopathy. Last evaluated: 2024-07-30. Review status: criteria provided, single submitter. Criteria: Invitae Variant Classification Sherloc (09022015). Collection method: clinical testing. Allele origin: germline.
Comment: This sequence change replaces serine, which is neutral and polar, with threonine, which is neutral and polar, at codon 523 of the SOS1 protein (p.Ser523Thr). This variant is not present in population databases (gnomAD no frequency). This variant has not been reported in the literature in individuals affected with SOS1-related conditions. Advanced modeling of protein sequence and biophysical properties (such as structural, functional, and spatial information, amino acid conservation, physicochemical variation, residue mobility, and thermodynamic stability) performed at Invitae indicates that this missense variant is not expected to disrupt SOS1 protein function with a negative predictive value of 80%. In summary, the available evidence is currently insufficient to determine the role of this variant in disease. Therefore, it has been classified as a Variant of Uncertain Significance.

NM_005633.4(SOS1):c.1568G>C (p.Ser523Thr)

Gene: SOS1 (SOS Ras/Rac guanine nucleotide exchange factor 1; minus strand). Cytogenetic location: 2p22.1.
Variant type: single nucleotide variant.
Coding change: c.1568G>C on transcript NM_005633.4 (MANE Select); coding-DNA position 1568, G replaced by C.
Protein change: p.Ser523Thr; replaces serine 523 with threonine.
Molecular consequence: missense variant.
Genome position (GRCh38, 1-based): chr2:39,022,860, C>G on the plus strand (G>C on the coding strand, the complement: SOS1 is on the minus strand). VCF-style: chr2-39022860-C-G. GRCh37 (hg19) VCF-style: chr2-39250001-C-G.
Other names: c.1547G>C, p.Ser516Thr (NM_001382394.1); c.1568G>C, p.Ser523Thr (NM_001382395.1); short protein forms S516T, S523T.
Identifiers: ClinVar variation 3647652 (VCV003647652.2).